The following is an entry in ClinVar:

NM_001130823.3(DNMT1):c.803+11C>T

Gene: DNMT1 (DNA methyltransferase 1; minus strand). Cytogenetic location: 19p13.2.
Variant type: single nucleotide variant.
Coding change: c.803+11C>T on transcript NM_001130823.3 (MANE Select); 11 bases into the intron after coding-DNA position 803, C replaced by T.
Molecular consequence: intron variant.
Genome position (GRCh38, 1-based): chr19:10,168,319, G>A on the plus strand (C>T on the coding strand, the complement: DNMT1 is on the minus strand). VCF-style: chr19-10168319-G-A. GRCh37 (hg19) VCF-style: chr19-10278995-G-A.
Other names: c.440+11C>T (NM_001318731.2); c.755+11C>T (NM_001379.4, NM_001318730.2); c.803+11C>T (LRG_362t1).
Identifiers: ClinVar variation 511264 (VCV000511264.9), dbSNP rs377632120, ClinGen allele CA9188595.
Genomic context (GRCh38, chr19:10,168,319, plus strand): 5'-ATTTTACCAAGATACTTATGTTAGCAATTCAGTTTCACAACAAAGCACAAAGGCAGGTTC[G>A]CTGCACTTACGGTTCTTTGGTTTGACTTCGGAGTCTCTTTTCTTCCTAAGTTGCAGGGAA-3'

ClinVar aggregate classification (germline): Benign/Likely benign. Review status: criteria provided, multiple submitters, no conflicts (2 of 4 stars). 3 submissions from 3 submitters: Benign (1); Likely benign (2). Last evaluated 2026-01-26.

Conditions:
Hereditary sensory neuropathy-deafness-dementia syndrome. Also called: Hereditary sensory neuropathy type IE; HSN IE; Hereditary Sensory and Autonomic Neuropathy Type 1E (HSAN1E); NEUROPATHY, HEREDITARY SENSORY, WITH HEARING LOSS AND DEMENTIA. Identifiers: Orphanet 456318, MedGen C3279885, MONDO:0013584, OMIM 614116.

Allele frequency attached by ClinVar (database versions not stated): ESP Exome Variant Server 0.00023; gnomAD 0.00031 and 0.00034; ExAC 0.00036.
gnomAD v4.1: 364 of 1,613,880 alleles (0.023%); highest among the groups gnomAD compares: Non-Finnish European, 0.017%; no homozygotes.

Submissions (3):

Labcorp Genetics (formerly Invitae), Labcorp
Classification: Benign for Hereditary sensory neuropathy-deafness-dementia syndrome. Last evaluated: 2026-01-26. Review status: criteria provided, single submitter. Criteria: Invitae Variant Classification Sherloc (09022015). Collection method: clinical testing. Allele origin: germline.

Blueprint Genetics
Classification: Likely benign. Last evaluated: 2024-10-03. Review status: criteria provided, single submitter. Criteria: ACMG Guidelines, 2015. Collection method: clinical testing. Allele origin: germline.

GeneDx
Classification: Likely benign. Last evaluated: 2017-08-07. Review status: criteria provided, single submitter. Criteria: GeneDx Variant Classification (06012015). Collection method: clinical testing. Allele origin: germline. Affected: yes.
Comment: This variant is considered likely benign or benign based on one or more of the following criteria: it is a conservative change, it occurs at a poorly conserved position in the protein, it is predicted to be benign by multiple in silico algorithms, and/or has population frequency not consistent with disease.